The following is an entry in ClinVar:

NM_003906.5(MCM3AP):c.4529T>C (p.Val1510Ala)

Genes: MCM3AP (minichromosome maintenance complex component 3 associated protein; minus strand), MCM3AP-AS1 (MCM3AP antisense RNA 1; plus strand). Cytogenetic location: 21q22.3.
Variant type: single nucleotide variant.
Coding change: c.4529T>C on transcript NM_003906.5 (MANE Select); coding-DNA position 4529, T replaced by C.
Protein change: p.Val1510Ala; replaces valine 1510 with alanine.
Molecular consequence: missense variant.
Genome position (GRCh38, 1-based): chr21:46,246,648, A>G on the plus strand (T>C on the coding strand, the complement: MCM3AP is on the minus strand). VCF-style: chr21-46246648-A-G. GRCh37 (hg19) VCF-style: chr21-47666562-A-G.
Other names: c.4529T>C (NM_003906.3); short protein forms V1510A.
Identifiers: ClinVar variation 1380161 (VCV001380161.7), dbSNP rs781216052, ClinGen allele CA10076104.
Genomic context (GRCh38, chr21:46,246,648, plus strand): 5'-TAAACAATGCTGCTTCATAAACGAGACTTCCTTCACAAACCATCTTCTACTTCCTTCTCA[A>G]CGGCGTCCCCTCCTGGGCTAGGCACAAGAACCACCAGAGGAAGCGCAGGCTGGAAGGGCT-3'
Protein context (NP_003897.2, residues 1500-1520): VLVPSPGGDA[Val1510Ala]EKEVEDGLML

ClinVar aggregate classification (germline): Uncertain significance. Review status: criteria provided, multiple submitters, no conflicts (2 of 4 stars). 2 submissions from 2 submitters: Uncertain significance (2). Last evaluated 2025-02-07.

Conditions:
Inborn genetic diseases. Identifiers: MedGen C0950123, MeSH D030342.

Allele frequency attached by ClinVar (database versions not stated): ExAC 0.00001; gnomAD exomes 0.00001; TOPMed 0.00002.
gnomAD v4.1: 7 of 1,610,876 alleles (0.00043%); highest among the groups gnomAD compares: Admixed American, 0.005%; no homozygotes.

Submissions (2):

Ambry Genetics
Classification: Uncertain significance for Inborn genetic diseases. Last evaluated: 2025-02-07. Review status: criteria provided, single submitter. Criteria: Ambry Variant Classification Scheme 2023. Collection method: clinical testing. Allele origin: germline.

Labcorp Genetics (formerly Invitae), Labcorp
Classification: Uncertain significance. Last evaluated: 2022-11-22. Review status: criteria provided, single submitter. Criteria: Invitae Variant Classification Sherloc (09022015). Collection method: clinical testing. Allele origin: germline.
Comment: Algorithms developed to predict the effect of missense changes on protein structure and function output the following: SIFT: "Tolerated"; PolyPhen-2: "Benign"; Align-GVGD: "Class C0". The alanine amino acid residue is found in multiple mammalian species, which suggests that this missense change does not adversely affect protein function. In summary, the available evidence is currently insufficient to determine the role of this variant in disease. Therefore, it has been classified as a Variant of Uncertain Significance. ClinVar contains an entry for this variant (Variation ID: 1380161). This variant has not been reported in the literature in individuals affected with MCM3AP-related conditions. This variant is present in population databases (rs781216052, gnomAD 0.0009%). This sequence change replaces valine, which is neutral and non-polar, with alanine, which is neutral and non-polar, at codon 1510 of the MCM3AP protein (p.Val1510Ala).